The following is an entry in ClinVar:

ClinVar aggregate classification (germline): Uncertain significance (1 of 4 stars; one submission).

Conditions:
Leber congenital amaurosis 6 (LCA6). Identifiers: Orphanet 65, MedGen C1854260, MONDO:0013446, OMIM 613826.
Cone-rod dystrophy 13 (CORD13). Identifiers: Orphanet 1872, MedGen C2750720, MONDO:0011987, OMIM 608194.

Allele frequency attached by ClinVar (database versions not stated): gnomAD exomes 0.00003; ExAC 0.00005; 1000 Genomes Project 30x 0.00016.
gnomAD v4.1: 44 of 1,614,066 alleles (0.0027%); highest among the groups gnomAD compares: South Asian, 0.047%; no homozygotes.

Submission:

Labcorp Genetics (formerly Invitae), Labcorp
Classification: Uncertain significance for Leber congenital amaurosis 6; Cone-rod dystrophy 13. Last evaluated: 2022-02-26. Review status: criteria provided, single submitter. Criteria: Invitae Variant Classification Sherloc (09022015). Collection method: clinical testing. Allele origin: germline.
Comment: This sequence change replaces threonine, which is neutral and polar, with asparagine, which is neutral and polar, at codon 648 of the RPGRIP1 protein (p.Thr648Asn). This variant is present in population databases (rs780101671, gnomAD 0.03%). This variant has not been reported in the literature in individuals affected with RPGRIP1-related conditions. ClinVar contains an entry for this variant (Variation ID: 1041328). Algorithms developed to predict the effect of missense changes on protein structure and function (SIFT, PolyPhen-2, Align-GVGD) all suggest that this variant is likely to be tolerated. In summary, the available evidence is currently insufficient to determine the role of this variant in disease. Therefore, it has been classified as a Variant of Uncertain Significance.

NM_020366.4(RPGRIP1):c.1943C>A (p.Thr648Asn)

Gene: RPGRIP1 (RPGR interacting protein 1; plus strand). Cytogenetic location: 14q11.2.
Variant type: single nucleotide variant.
Coding change: c.1943C>A on transcript NM_020366.4 (MANE Select); coding-DNA position 1943, C replaced by A.
Protein change: p.Thr648Asn; replaces threonine 648 with asparagine.
Molecular consequence: missense variant. On other transcripts: intron variant (4).
Genome position (GRCh38, 1-based): chr14:21,324,798, C>A. VCF-style: chr14-21324798-C-A. GRCh37 (hg19) VCF-style: chr14-21792957-C-A.
Other names: c.869C>A, p.Thr290Asn (NM_001377948.1); c.796+73C>A (NM_001377949.1); c.688+2794C>A (NM_001377523.1, NM_001377950.1); c.190+2794C>A (NM_001377951.1); short protein forms T290N, T648N.
Identifiers: ClinVar variation 1041328 (VCV001041328.6), dbSNP rs780101671, ClinGen allele CA7089127.